The following is an entry in ClinVar:

ClinVar aggregate classification (germline): Pathogenic (1 of 4 stars; one submission).

Conditions:
Glycine encephalopathy. Also called: Non-ketotic hyperglycinemia; Nonketotic hyperglycinemia. Identifiers: Orphanet 407, MedGen C0751748, MONDO:0011612, HP:0008288.

gnomAD v4.1: 2 of 1,614,192 alleles (0.00012%); no homozygotes.

Submission:

Labcorp Genetics (formerly Invitae), Labcorp
Classification: Pathogenic for Glycine encephalopathy. Last evaluated: 2021-10-27. Review status: criteria provided, single submitter. Criteria: Invitae Variant Classification Sherloc (09022015). Collection method: clinical testing. Allele origin: germline.
Comment: For these reasons, this variant has been classified as Pathogenic. This premature translational stop signal has been observed in individual(s) with non-ketotic hyperglycinemia (PMID: 26179960). This variant is not present in population databases (gnomAD no frequency). This sequence change creates a premature translational stop signal (p.Tyr673*) in the GLDC gene. It is expected to result in an absent or disrupted protein product. Loss-of-function variants in GLDC are known to be pathogenic (PMID: 16601880).

Literature cited by the submitters: PubMed 26179960; PubMed 16601880.

NM_000170.3(GLDC):c.2019T>A (p.Tyr673Ter)

Gene: GLDC (glycine decarboxylase; minus strand). Cytogenetic location: 9p24.1.
Variant type: single nucleotide variant.
Coding change: c.2019T>A on transcript NM_000170.3 (MANE Select); coding-DNA position 2019, T replaced by A.
Protein change: p.Tyr673Ter; replaces tyrosine 673 with a stop codon.
Molecular consequence: nonsense.
Genome position (GRCh38, 1-based): chr9:6,558,592, A>T on the plus strand (T>A on the coding strand, the complement: GLDC is on the minus strand). VCF-style: chr9-6558592-A-T. GRCh37 (hg19) VCF-style: chr9-6558592-A-T.
Other names: short protein forms Y673*.
Identifiers: ClinVar variation 1452226 (VCV001452226.6), dbSNP rs774506115, ClinGen allele CA372881868.